The following is an entry in ClinVar:

NM_001267550.2(TTN):c.53287+4A>C

Genes: TTN-AS1 (TTN antisense RNA 1; plus strand), TTN (titin; minus strand), LOC126806425 (BRD4-independent group 4 enhancer GRCh37_chr2:179471933-179473132; plus strand). Cytogenetic location: 2q31.2.
Variant type: single nucleotide variant.
Coding change: c.53287+4A>C on transcript NM_001267550.2 (MANE Select); 4 bases into the intron after coding-DNA position 53287, A replaced by C.
Molecular consequence: intron variant.
Genome position (GRCh38, 1-based): chr2:178,607,397, T>G on the plus strand (A>C on the coding strand, the complement: TTN is on the minus strand). VCF-style: chr2-178607397-T-G. GRCh37 (hg19) VCF-style: chr2-179472124-T-G.
Other names: c.26092+4A>C (NM_003319.4); c.26668+4A>C (NM_133437.4); c.26467+4A>C (NM_133432.3); c.45583+4A>C (NM_133378.4); c.48364+4A>C (NM_001256850.1).
Identifiers: ClinVar variation 935259 (VCV000935259.10), dbSNP rs2055151641, ClinGen allele CA1139657435.

ClinVar aggregate classification (germline): Uncertain significance (1 of 4 stars; one submission).

Conditions:
Dilated cardiomyopathy 1G (CMD1G). Identifiers: Orphanet 154, MedGen C1858763, MONDO:0011400, OMIM 604145.
Autosomal recessive limb-girdle muscular dystrophy type 2J (LGMDR10). Also called: Limb-girdle muscular dystrophy, type 2J; MUSCULAR DYSTROPHY, LIMB-GIRDLE, AUTOSOMAL RECESSIVE 10. Identifiers: Orphanet 140922, MedGen C1837342, MONDO:0012127, OMIM 608807.

Submission:

Labcorp Genetics (formerly Invitae), Labcorp
Classification: Uncertain significance for Dilated cardiomyopathy 1G; Autosomal recessive limb-girdle muscular dystrophy type 2J. Last evaluated: 2019-06-14. Review status: criteria provided, single submitter. Criteria: Invitae Variant Classification Sherloc (09022015). Collection method: clinical testing. Allele origin: germline.
Comment: This variant is located in the A band of TTN (PMID: 25589632). Variants in this region may be relevant for cardiac or neuromuscular disorders (PMID: 25589632, 23975875). In summary, the available evidence is currently insufficient to determine the role of this variant in disease. Therefore, it has been classified as a Variant of Uncertain Significance. Nucleotide substitutions within the consensus splice site are a relatively common cause of aberrant splicing (PMID: 17576681, 9536098). Algorithms developed to predict the effect of sequence changes on RNA splicing suggest that this variant may disrupt the consensus splice site, but this prediction has not been confirmed by published transcriptional studies. This variant has not been reported in the literature in individuals with TTN-related conditions. This variant is not present in population databases (ExAC no frequency). This sequence change falls in intron 277 of the TTN gene. It does not directly change the encoded amino acid sequence of the TTN protein, but it affects a nucleotide within the consensus splice site of the intron.

Literature cited by the submitters: PubMed 25589632; PubMed 23975875; PubMed 17576681; PubMed 9536098.